The following is an entry in ClinVar:

ClinVar aggregate classification (germline): Benign/Likely benign. Review status: criteria provided, multiple submitters, no conflicts (2 of 4 stars). 19 submissions from 19 submitters: Benign (2); Likely benign (16). 1 of the submissions does not count toward it. Last evaluated 2026-01-25.

Conditions:
MSH6-related disorder. Also called: MSH6-related condition; MSH6-Related disorders.
Hereditary nonpolyposis colorectal neoplasms. Identifiers: MedGen C0009405, MeSH D003123.
Breast and/or ovarian cancer. Identifiers: MedGen CN221562.
Hereditary cancer-predisposing syndrome. Also called: Tumor predisposition; Hereditary neoplastic syndrome; Hereditary Cancer Syndrome; Neoplastic Syndromes, Hereditary. Identifiers: Orphanet 140162, MedGen C0027672, MeSH D009386, MONDO:0015356.
Lynch syndrome. Identifiers: Orphanet 144, MedGen C4552100, MONDO:0005835. Disease mechanism: loss of function.
Lynch syndrome 5 (LYNCH5). Also called: Hereditary non-polyposis colorectal cancer, type 5; Colorectal cancer, hereditary nonpolyposis, type 5. Identifiers: Orphanet 144, MedGen C1833477, MONDO:0013710, OMIM 614350. Disease mechanism: loss of function.

Allele frequency attached by ClinVar (database versions not stated): ExAC 0.00003; TOPMed 0.00004; gnomAD exomes 0.00006; gnomAD 0.00008 and 0.00009.

Submissions (19):

Labcorp Genetics (formerly Invitae), Labcorp
Classification: Likely benign for Hereditary nonpolyposis colorectal neoplasms. Last evaluated: 2026-01-25. Review status: criteria provided, single submitter. Criteria: Invitae Variant Classification Sherloc (09022015). Collection method: clinical testing. Allele origin: germline.

CeGaT Center for Human Genetics Tuebingen
Classification: Likely benign. Last evaluated: 2025-12-01. Review status: criteria provided, single submitter. Criteria: CeGaT Center For Human Genetics Tuebingen Variant Classification Criteria Version 2. Collection method: clinical testing. Allele origin: germline. Affected: yes. Observed: 2 variant alleles.
Comment: MSH6: BP4, BP7

Hereditary Cancer Laboratory, Hospital Universitario 12 de Octubre
Classification: Likely benign for Hereditary cancer-predisposing syndrome. Last evaluated: 2025-03-25. Review status: criteria provided, single submitter. Criteria: ACMG Guidelines, 2015. Collection method: clinical testing. Allele origin: germline.

Center for Genomic Medicine, Rigshospitalet, Copenhagen University Hospital
Classification: Likely benign. Last evaluated: 2025-03-04. Review status: criteria provided, single submitter. Criteria: ACMG Guidelines, 2015. Collection method: clinical testing. Allele origin: germline.

Myriad Genetics, Inc.
Classification: Benign for Lynch syndrome 5. Last evaluated: 2025-01-02. Review status: criteria provided, single submitter. Criteria: Myriad Autosomal Dominant, Autosomal Recessive and X-Linked Classification Criteria (2023). Collection method: clinical testing. Allele origin: unknown.
Comment: This variant is considered benign. This variant is a silent/synonymous amino acid change and it is not expected to impact splicing.

Blueprint Genetics
Classification: Likely benign. Last evaluated: 2024-01-12. Review status: criteria provided, single submitter. Criteria: ACMG Guidelines, 2015. Collection method: clinical testing. Allele origin: germline.

All of Us Research Program, National Institutes of Health
Classification: Likely benign for Lynch syndrome. Last evaluated: 2024-01-11. Review status: criteria provided, single submitter. Criteria: ACMG Guidelines, 2015. Collection method: clinical testing. Allele origin: germline. Inheritance: Autosomal dominant inheritance. Observed: 20 variant alleles, 20 heterozygotes.
Comment: This study involves interpretation of variants in research participants for the purpose of population health screening. Participant phenotype was not available at the time of variant classification. Additional details can be found in publication PMID: 35346344, PMCID: PMC8962531

KCCC/NGS Laboratory, Kuwait Cancer Control Center
Classification: Likely benign for Lynch syndrome 5. Last evaluated: 2023-07-07. Review status: criteria provided, single submitter. Criteria: ACMG Guidelines, 2015. Collection method: clinical testing. Allele origin: germline. Affected: yes.

Quest Diagnostics Nichols Institute San Juan Capistrano
Classification: Likely benign. Last evaluated: 2022-12-14. Review status: criteria provided, single submitter. Criteria: Quest Diagnostics criteria. Collection method: clinical testing. Allele origin: unknown.

CHEO Genetics Diagnostic Laboratory, Children's Hospital of Eastern Ontario
Classification: Likely benign for Breast and/or ovarian cancer. Last evaluated: 2022-05-03. Review status: criteria provided, single submitter. Criteria: ACMG Guidelines, 2015. Collection method: clinical testing. Allele origin: germline.

Sema4
Classification: Likely benign for Hereditary cancer-predisposing syndrome. Last evaluated: 2021-04-12. Review status: criteria provided, single submitter. Criteria: Sema4 Curation Guidelines. Collection method: curation. Allele origin: germline.

Department of Pathology and Laboratory Medicine, Sinai Health System
Classification: Likely benign for Lynch syndrome 5. Last evaluated: 2020-04-03. Review status: criteria provided, single submitter. Criteria: ACMG Guidelines, 2015. Collection method: clinical testing. Allele origin: germline. Affected: yes.

Genetic Services Laboratory, University of Chicago
Classification: Likely benign. Last evaluated: 2019-10-22. Review status: criteria provided, single submitter. Criteria: ACMG Guidelines, 2015. Collection method: clinical testing. Allele origin: germline. Affected: no.

Women's Health and Genetics/Laboratory Corporation of America, LabCorp
Classification: Likely benign. Last evaluated: 2019-08-29. Review status: criteria provided, single submitter. Criteria: LabCorp Variant Classification Summary - May 2015. Collection method: clinical testing. Allele origin: germline.

Color Diagnostics, LLC DBA Color Health
Classification: Likely benign for Hereditary cancer-predisposing syndrome. Last evaluated: 2016-06-14. Review status: criteria provided, single submitter. Criteria: ACMG Guidelines, 2015. Collection method: clinical testing. Allele origin: germline.

GeneDx
Classification: Benign. Last evaluated: 2015-06-24. Review status: criteria provided, single submitter. Criteria: GeneDx Variant Classification (06012015). Collection method: clinical testing. Allele origin: germline. Affected: yes.
Comment: This variant is considered likely benign or benign based on one or more of the following criteria: it is a conservative change, it occurs at a poorly conserved position in the protein, it is predicted to be benign by multiple in silico algorithms, and/or has population frequency not consistent with disease.

Ambry Genetics
Classification: Likely benign for Hereditary cancer-predisposing syndrome. Last evaluated: 2014-08-01. Review status: criteria provided, single submitter. Criteria: Ambry Variant Classification Scheme 2023. Collection method: clinical testing. Allele origin: germline.

Breakthrough Genomics
Classification: Likely benign. Review status: criteria provided, single submitter. Criteria: ACMG Guidelines, 2015. Collection method: not provided. Allele origin: germline. Inheritance: Autosomal recessive inheritance. Affected: yes.

PreventionGenetics, part of Exact Sciences
Classification: Likely benign for MSH6-related condition. Last evaluated: 2023-08-07. Review status: no assertion criteria provided. Collection method: clinical testing. Allele origin: germline. Not counted in ClinVar's aggregate classification.
Comment: This variant is classified as likely benign based on ACMG/AMP sequence variant interpretation guidelines (Richards et al. 2015 PMID: 25741868, with internal and published modifications).

NM_000179.3(MSH6):c.3024C>T (p.Thr1008=)

Gene: MSH6 (mutS homolog 6; plus strand). Cytogenetic location: 2p16.3.
Variant type: single nucleotide variant.
Coding change: c.3024C>T on transcript NM_000179.3 (MANE Select); coding-DNA position 3024, C replaced by T.
Protein change: p.Thr1008=; no amino-acid change (threonine 1008 retained).
Molecular consequence: synonymous variant.
Genome position (GRCh38, 1-based): chr2:47,801,007, C>T. VCF-style: chr2-47801007-C-T. GRCh37 (hg19) VCF-style: chr2-48028146-C-T.
Other names: c.2634C>T, p.Thr878= (NM_001281492.2); c.2118C>T, p.Thr706= (NM_001281493.2, NM_001281494.2).
Identifiers: ClinVar variation 135838 (VCV000135838.66), dbSNP rs587780675, ClinGen allele CA011383.